The following is an entry in ClinVar:

ClinVar aggregate classification (germline): Uncertain significance (1 of 4 stars; one submission).

Conditions:
Inborn genetic diseases. Identifiers: MedGen C0950123, MeSH D030342.

gnomAD v4.1: 23 of 1,614,148 alleles (0.0014%); highest among the groups gnomAD compares: Non-Finnish European, 0.0019%; no homozygotes.

Submission:

Ambry Genetics
Classification: Uncertain significance for Inborn genetic diseases. Last evaluated: 2024-12-12. Review status: criteria provided, single submitter. Criteria: Ambry Variant Classification Scheme 2023. Collection method: clinical testing. Allele origin: germline.
Comment: The p.I114T variant (also known as c.341T>C), located in coding exon 3 of the SBDS gene, results from a T to C substitution at nucleotide position 341. The isoleucine at codon 114 is replaced by threonine, an amino acid with similar properties. This amino acid position is conserved. In addition, the in silico prediction for this alteration is inconclusive. Based on the available evidence, the clinical significance of this variant remains unclear.

NM_016038.4(SBDS):c.341T>C (p.Ile114Thr)

Gene: SBDS (SBDS ribosome maturation factor; minus strand). Cytogenetic location: 7q11.21.
Variant type: single nucleotide variant.
Coding change: c.341T>C on transcript NM_016038.4 (MANE Select); coding-DNA position 341, T replaced by C.
Protein change: p.Ile114Thr; replaces isoleucine 114 with threonine.
Molecular consequence: missense variant.
Genome position (GRCh38, 1-based): chr7:66,993,335, A>G on the plus strand (T>C on the coding strand, the complement: SBDS is on the minus strand). VCF-style: chr7-66993335-A-G. GRCh37 (hg19) VCF-style: chr7-66458322-A-G.
Other names: short protein forms I114T.
Identifiers: ClinVar variation 3792695 (VCV003792695.1).